The following is an entry in ClinVar:

ClinVar aggregate classification (germline): Uncertain significance (1 of 4 stars; one submission).

Conditions:
Fanconi anemia (FA). Also called: Fanconi's anemia. Identifiers: Orphanet 84, MedGen C0015625, MeSH D005199, MONDO:0019391.

Submission:

Labcorp Genetics (formerly Invitae), Labcorp
Classification: Uncertain significance for Fanconi anemia. Last evaluated: 2022-02-13. Review status: criteria provided, single submitter. Criteria: Invitae Variant Classification Sherloc (09022015). Collection method: clinical testing. Allele origin: germline.
Comment: Algorithms developed to predict the effect of missense changes on protein structure and function are either unavailable or do not agree on the potential impact of this missense change (SIFT: "Deleterious"; PolyPhen-2: "Possibly Damaging"; Align-GVGD: "Class C0"). In summary, the available evidence is currently insufficient to determine the role of this variant in disease. Therefore, it has been classified as a Variant of Uncertain Significance. This variant has not been reported in the literature in individuals affected with SLX4-related conditions. This variant is not present in population databases (gnomAD no frequency). This sequence change replaces serine, which is neutral and polar, with cysteine, which is neutral and slightly polar, at codon 597 of the SLX4 protein (p.Ser597Cys).

NM_032444.4(SLX4):c.1790C>G (p.Ser597Cys)

Gene: SLX4 (SLX4 structure-specific endonuclease subunit; minus strand). Cytogenetic location: 16p13.3.
Variant type: single nucleotide variant.
Coding change: c.1790C>G on transcript NM_032444.4 (MANE Select); coding-DNA position 1790, C replaced by G.
Protein change: p.Ser597Cys; replaces serine 597 with cysteine.
Molecular consequence: missense variant.
Genome position (GRCh38, 1-based): chr16:3,596,287, G>C on the plus strand (C>G on the coding strand, the complement: SLX4 is on the minus strand). VCF-style: chr16-3596287-G-C. GRCh37 (hg19) VCF-style: chr16-3646288-G-C.
Other names: short protein forms S597C.
Identifiers: ClinVar variation 2097378 (VCV002097378.4), dbSNP rs2151130083, ClinGen allele CA394527436.